The following is an entry in ClinVar:

ClinVar aggregate classification (germline): Uncertain significance. Review status: criteria provided, multiple submitters, no conflicts (2 of 4 stars). 2 submissions from 2 submitters: Uncertain significance (2). Last evaluated 2025-09-02.

Allele frequency attached by ClinVar (database versions not stated): gnomAD exomes 0.00003; gnomAD 0.00005; TOPMed 0.00008; ExAC 0.00016.
gnomAD v4.1: 53 of 1,613,924 alleles (0.0033%); highest among the groups gnomAD compares: Admixed American, 0.083%; 1 homozygote.

Submissions (2):

Labcorp Genetics (formerly Invitae), Labcorp
Classification: Uncertain significance. Last evaluated: 2025-09-02. Review status: criteria provided, single submitter. Criteria: Invitae Variant Classification Sherloc (09022015). Collection method: clinical testing. Allele origin: germline.
Comment: This sequence change replaces valine, which is neutral and non-polar, with alanine, which is neutral and non-polar, at codon 1053 of the PIK3C2A protein (p.Val1053Ala). This variant is present in population databases (rs755143641, gnomAD 0.1%), including at least one homozygous and/or hemizygous individual. This variant has not been reported in the literature in individuals affected with PIK3C2A-related conditions. ClinVar contains an entry for this variant (Variation ID: 2060454). Experimental studies and prediction algorithms are not available or were not evaluated, and the functional significance of this variant is currently unknown. In summary, the available evidence is currently insufficient to determine the role of this variant in disease. Therefore, it has been classified as a Variant of Uncertain Significance.

Ambry Genetics
Classification: Uncertain significance. Last evaluated: 2024-02-05. Review status: criteria provided, single submitter. Criteria: Ambry Variant Classification Scheme 2023. Collection method: clinical testing. Allele origin: germline.

NM_002645.4(PIK3C2A):c.3158T>C (p.Val1053Ala)

Gene: PIK3C2A (phosphatidylinositol-4-phosphate 3-kinase catalytic subunit type 2 alpha; minus strand). Cytogenetic location: 11p15.1.
Variant type: single nucleotide variant.
Coding change: c.3158T>C on transcript NM_002645.4 (MANE Select); coding-DNA position 3158, T replaced by C.
Protein change: p.Val1053Ala; replaces valine 1053 with alanine.
Molecular consequence: missense variant.
Genome position (GRCh38, 1-based): chr11:17,117,549, A>G on the plus strand (T>C on the coding strand, the complement: PIK3C2A is on the minus strand). VCF-style: chr11-17117549-A-G. GRCh37 (hg19) VCF-style: chr11-17139096-A-G.
Other names: c.3158T>C, p.Val1053Ala (NM_001321378.2); c.2018T>C, p.Val673Ala (NM_001321380.2); c.2990T>C, p.Val997Ala (NM_001386870.1); c.3158T>C (NM_002645.2); short protein forms V1053A, V673A, V997A.
Identifiers: ClinVar variation 2060454 (VCV002060454.3), dbSNP rs755143641, ClinGen allele CA5900871.